The following is an entry in ClinVar:

NM_014989.7(RIMS1):c.813-14T>G

Gene: RIMS1 (regulating synaptic membrane exocytosis 1; plus strand). Cytogenetic location: 6q13.
Variant type: single nucleotide variant.
Coding change: c.813-14T>G on transcript NM_014989.7 (MANE Select); 14 bases into the intron before coding-DNA position 813, T replaced by G.
Molecular consequence: intron variant.
Genome position (GRCh38, 1-based): chr6:72,182,270, T>G. VCF-style: chr6-72182270-T-G. GRCh37 (hg19) VCF-style: chr6-72891973-T-G.
Identifiers: ClinVar variation 357833 (VCV000357833.14), dbSNP rs180682682, ClinGen allele CA3885594.

ClinVar aggregate classification (germline): Benign/Likely benign. Review status: criteria provided, multiple submitters, no conflicts (2 of 4 stars). 3 submissions from 3 submitters: Benign (2); Likely benign (1). Last evaluated 2025-12-14.

Conditions:
Cone-rod dystrophy 7 (CORD7). Identifiers: Orphanet 1872, MedGen C1863634, MONDO:0011355, OMIM 603649.

Allele frequency attached by ClinVar (database versions not stated): ExAC 0.00019; ESP Exome Variant Server 0.00025; 1000 Genomes Project 30x 0.00047; gnomAD 0.00056 and 0.00058; TOPMed 0.00069; 1000 Genomes Project 0.00060.
gnomAD v4.1: 168 of 1,548,722 alleles (0.011%); highest among the groups gnomAD compares: African/African-American, 0.21%; no homozygotes.

Submissions (3):

Labcorp Genetics (formerly Invitae), Labcorp
Classification: Benign. Last evaluated: 2025-12-14. Review status: criteria provided, single submitter. Criteria: Invitae Variant Classification Sherloc (09022015). Collection method: clinical testing. Allele origin: germline.

Blueprint Genetics
Classification: Likely benign. Last evaluated: 2023-06-30. Review status: criteria provided, single submitter. Criteria: ACMG Guidelines, 2015. Collection method: clinical testing. Allele origin: germline.

Illumina Laboratory Services, Illumina
Classification: Benign for Cone-rod dystrophy 7. Last evaluated: 2018-01-13. Review status: criteria provided, single submitter. Criteria: ICSL Variant Classification Criteria 13 December 2019. Collection method: clinical testing. Allele origin: germline.
Comment: This variant was observed in the ICSL laboratory as part of a predisposition screen in an ostensibly healthy population. It had not been previously curated by ICSL or reported in the Human Gene Mutation Database (HGMD: prior to June 1st, 2018), and was therefore a candidate for classification through an automated scoring system. Utilizing variant allele frequency, disease prevalence and penetrance estimates, and inheritance mode, an automated score was calculated to assess if this variant is too frequent to cause the disease. Based on the score and internal cut-off values, a variant classified as benign is not then subjected to further curation. The score for this variant resulted in a classification of benign for this disease.